The following is an entry in ClinVar:

ClinVar aggregate classification (germline): Conflicting classifications of pathogenicity. Review status: criteria provided, conflicting classifications (1 of 4 stars). 4 submissions from 4 submitters: Pathogenic (1); Likely pathogenic (1); Uncertain significance (2). Last evaluated 2024-09-13.

Conditions:
Cardiovascular phenotype. Identifiers: MedGen CN230736.
Hereditary cancer-predisposing syndrome. Also called: Neoplastic Syndromes, Hereditary; Tumor predisposition; Hereditary neoplastic syndrome; Hereditary Cancer Syndrome. Identifiers: Orphanet 140162, MedGen C0027672, MeSH D009386, MONDO:0015356.
Neurofibromatosis, type 1 (NF1). Also called: Peripheral type neurofibromatosis; VON RECKLINGHAUSEN DISEASE; NEUROFIBROMATOSIS, TYPE I, SOMATIC; Neurofibromatosis, type I. Identifiers: Orphanet 636, MedGen C0027831, MONDO:0018975, OMIM 162200. Disease mechanism: loss of function.

Submissions (4):

Division of Genetic & Genomic Pathology, Hong Kong Children's Hospital
Classification: Likely pathogenic for Neurofibromatosis, type 1. Last evaluated: 2024-09-13. Review status: criteria provided, single submitter. Criteria: ACMG Guidelines, 2015. Collection method: clinical testing. Allele origin: de novo. Affected: yes. Observed: 1 heterozygote.
Comment: The synonymous c.6084G>A variant is located at the last nucleotide of exon 40 of NF1 gene. This variant is absent from the Genome Aggregation Database (gnomAD v.2.1.1 and v.4.1.0). In silico analysis by SpliceAI predicted a gain of cryptic donor splice site (delta score for donor gain 0.3). Sanger sequencing did not detect this variant in either parents and kinship has been confirmed by short tandem repeat profiling. For these reasons, NF1 c.6084G>A is classified as likely pathogenic.

Labcorp Genetics (formerly Invitae), Labcorp
Classification: Uncertain significance for Neurofibromatosis, type 1. Last evaluated: 2023-07-16. Review status: criteria provided, single submitter. Criteria: Invitae Variant Classification Sherloc (09022015). Collection method: clinical testing. Allele origin: germline.
Comment: In summary, the available evidence is currently insufficient to determine the role of this variant in disease. Therefore, it has been classified as a Variant of Uncertain Significance. Variants that disrupt the consensus splice site are a relatively common cause of aberrant splicing (PMID: 17576681, 9536098). Algorithms developed to predict the effect of sequence changes on RNA splicing suggest that this variant may create or strengthen a splice site. ClinVar contains an entry for this variant (Variation ID: 1751468). This variant has not been reported in the literature in individuals affected with NF1-related conditions. This variant is not present in population databases (gnomAD no frequency). This sequence change affects codon 2028 of the NF1 mRNA. It is a 'silent' change, meaning that it does not change the encoded amino acid sequence of the NF1 protein. This variant also falls at the last nucleotide of exon 40, which is part of the consensus splice site for this exon.

Ambry Genetics
Classification: Pathogenic for Cardiovascular phenotype; Hereditary cancer-predisposing syndrome. Last evaluated: 2022-06-03. Review status: criteria provided, single submitter. Criteria: Ambry Variant Classification Scheme 2023. Collection method: clinical testing. Allele origin: germline.
Comment: The c.6084G>A pathogenic mutation (also known as p.K2028K), located in coding exon 40 of the NF1 gene, results from a G to A substitution at nucleotide position 6084. This nucleotide substitution does not change the at codon 2028. However, this change occurs in the last base pair of coding exon 40, which makes it likely to have some effect on normal mRNA splicing. This alteration has been observed in at least one individual with a personal and/or family history that is consistent with neurofibromatosis type 1 (Ambry internal data). This variant is considered to be rare based on population cohorts in the Genome Aggregation Database (gnomAD). In silico splice site analysis predicts that this alteration will not have any significant effect on splicing. RNA studies have demonstrated that this alteration results in abnormal splicing in the set of samples tested (Ambry internal data). Based on the supporting evidence, this alteration is interpreted as a disease-causing mutation.

Athena Diagnostics
Classification: Uncertain significance. Last evaluated: 2022-05-05. Review status: criteria provided, single submitter. Criteria: Athena Diagnostics Criteria. Collection method: clinical testing. Allele origin: unknown.

Literature cited by the submitters: PubMed 17576681 (cited by Labcorp Genetics (formerly Invitae), Labcorp); PubMed 9536098 (cited by Labcorp Genetics (formerly Invitae), Labcorp).

NM_001042492.3(NF1):c.6147G>A (p.Lys2049=)

Gene: NF1 (neurofibromin 1; plus strand). Cytogenetic location: 17q11.2.
Variant type: single nucleotide variant.
Coding change: c.6147G>A on transcript NM_001042492.3 (MANE Select); coding-DNA position 6147, G replaced by A.
Protein change: p.Lys2049=; no amino-acid change (lysine 2049 retained).
Molecular consequence: synonymous variant.
Genome position (GRCh38, 1-based): chr17:31,336,473, G>A. VCF-style: chr17-31336473-G-A. GRCh37 (hg19) VCF-style: chr17-29663491-G-A.
Other names: c.6084G>A, p.Lys2028= (NM_000267.4).
Identifiers: ClinVar variation 1751468 (VCV001751468.8), dbSNP rs1135402882, ClinGen allele CA499446514.